The following is an entry in ClinVar:

NM_001257180.2(SLC20A2):c.178G>A (p.Val60Met)

Gene: SLC20A2 (solute carrier family 20 member 2; minus strand). Cytogenetic location: 8p11.21.
Variant type: single nucleotide variant.
Coding change: c.178G>A on transcript NM_001257180.2 (MANE Select); coding-DNA position 178, G replaced by A.
Protein change: p.Val60Met; replaces valine 60 with methionine.
Molecular consequence: missense variant.
Genome position (GRCh38, 1-based): chr8:42,472,213, C>T on the plus strand (G>A on the coding strand, the complement: SLC20A2 is on the minus strand). VCF-style: chr8-42472213-C-T. GRCh37 (hg19) VCF-style: chr8-42329731-C-T.
Other names: c.178G>A (NM_006749.3); c.178G>A, p.Val60Met (NM_001257181.2, NM_006749.5); short protein forms V60M.
Identifiers: ClinVar variation 2165615 (VCV002165615.5), dbSNP rs368076501, ClinGen allele CA4733651.

ClinVar aggregate classification (germline): Uncertain significance. Review status: criteria provided, multiple submitters, no conflicts (2 of 4 stars). 2 submissions from 2 submitters: Uncertain significance (2). Last evaluated 2023-11-27.

Conditions:
Inborn genetic diseases. Identifiers: MedGen C0950123, MeSH D030342.

Allele frequency attached by ClinVar (database versions not stated): ExAC 0.00003; TOPMed 0.00003; gnomAD exomes 0.00004; gnomAD 0.00005; ESP Exome Variant Server 0.00008.
gnomAD v4.1: 63 of 1,614,046 alleles (0.0039%); highest among the groups gnomAD compares: South Asian, 0.053%; 2 homozygotes.

Submissions (2):

Ambry Genetics
Classification: Uncertain significance for Inborn genetic diseases. Last evaluated: 2023-11-27. Review status: criteria provided, single submitter. Criteria: Ambry Variant Classification Scheme 2023. Collection method: clinical testing. Allele origin: germline.

Labcorp Genetics (formerly Invitae), Labcorp
Classification: Uncertain significance. Last evaluated: 2022-06-10. Review status: criteria provided, single submitter. Criteria: Invitae Variant Classification Sherloc (09022015). Collection method: clinical testing. Allele origin: germline.
Comment: In summary, the available evidence is currently insufficient to determine the role of this variant in disease. Therefore, it has been classified as a Variant of Uncertain Significance. Algorithms developed to predict the effect of missense changes on protein structure and function (SIFT, PolyPhen-2, Align-GVGD) all suggest that this variant is likely to be tolerated. This variant has not been reported in the literature in individuals affected with SLC20A2-related conditions. This variant is present in population databases (rs368076501, gnomAD 0.04%), and has an allele count higher than expected for a pathogenic variant. This sequence change replaces valine, which is neutral and non-polar, with methionine, which is neutral and non-polar, at codon 60 of the SLC20A2 protein (p.Val60Met).